The following is an entry in ClinVar:

NM_001020658.2(PUM1):c.1006G>A (p.Asp336Asn)

Gene: PUM1 (pumilio RNA binding family member 1; minus strand). Cytogenetic location: 1p35.2.
Variant type: single nucleotide variant.
Coding change: c.1006G>A on transcript NM_001020658.2 (MANE Select); coding-DNA position 1006, G replaced by A.
Protein change: p.Asp336Asn; replaces aspartic acid 336 with asparagine.
Molecular consequence: missense variant.
Genome position (GRCh38, 1-based): chr1:30,992,542, C>T on the plus strand (G>A on the coding strand, the complement: PUM1 is on the minus strand). VCF-style: chr1-30992542-C-T. GRCh37 (hg19) VCF-style: chr1-31465389-C-T.
Other names: c.1006G>A, p.Asp336Asn (NM_014676.3); short protein forms D336N.
Identifiers: ClinVar variation 5009327 (VCV005009327.1).
Genomic context (GRCh38, chr1:30,992,542, plus strand): 5'-CCATGCCCACATGTTCCATGGGGTCCAAGGGGACACTCTGGGACTCCATGTTGGAGAAAT[C>T]CTCCACAGGCTTGGCACCATTGGTGCTGGTCAGCTGGGCTAAGCCCTCAGAACCATTCTG-3'
Protein context (NP_001018494.1, residues 326-346): TSTNGAKPVE[Asp336Asn]FSNMESQSVP

ClinVar aggregate classification (germline): Uncertain significance (1 of 4 stars; one submission).

Submission:

GeneDx
Classification: Uncertain significance. Last evaluated: 2026-03-19. Review status: criteria provided, single submitter. Criteria: GeneDx Variant Classification Process June 2021. Collection method: clinical testing. Allele origin: germline.
Comment: Not observed at significant frequency in large population cohorts (gnomAD); In silico analysis suggests that this missense variant does not alter protein structure/function; Has not been previously published as pathogenic or benign to our knowledge